The following is an entry in ClinVar:

NM_032130.3(FAM186B):c.2102A>T (p.Glu701Val)

Gene: FAM186B (family with sequence similarity 186 member B; minus strand). Cytogenetic location: 12q13.12.
Variant type: single nucleotide variant.
Coding change: c.2102A>T on transcript NM_032130.3 (MANE Select); coding-DNA position 2102, A replaced by T.
Protein change: p.Glu701Val; replaces glutamic acid 701 with valine.
Molecular consequence: missense variant. On other transcripts: non-coding transcript variant (1).
Genome position (GRCh38, 1-based): chr12:49,599,538, T>A on the plus strand (A>T on the coding strand, the complement: FAM186B is on the minus strand). VCF-style: chr12-49599538-T-A. GRCh37 (hg19) VCF-style: chr12-49993321-T-A.
Other names: short protein forms E701V.
Identifiers: ClinVar variation 3512010 (VCV003512010.3).

ClinVar aggregate classification (germline): Uncertain significance. Review status: criteria provided, multiple submitters, no conflicts (2 of 4 stars). 2 submissions from 2 submitters: Uncertain significance (2). Last evaluated 2024-11-26.

gnomAD v4.1: 16 of 1,606,918 alleles (0.001%); highest among the groups gnomAD compares: East Asian, 0.0067%; no homozygotes.

Submissions (2):

Ambry Genetics
Classification: Uncertain significance. Last evaluated: 2024-11-26. Review status: criteria provided, single submitter. Criteria: Ambry Variant Classification Scheme 2023. Collection method: clinical testing. Allele origin: germline.

Labcorp Genetics (formerly Invitae), Labcorp
Classification: Uncertain significance. Last evaluated: 2024-08-13. Review status: criteria provided, single submitter. Criteria: Invitae Variant Classification Sherloc (09022015). Collection method: clinical testing. Allele origin: germline.
Comment: This sequence change replaces glutamic acid, which is acidic and polar, with valine, which is neutral and non-polar, at codon 701 of the FAM186B protein (p.Glu701Val). This variant is present in population databases (rs769154684, gnomAD 0.01%). This variant has not been reported in the literature in individuals affected with FAM186B-related conditions. An algorithm developed to predict the effect of missense changes on protein structure and function (PolyPhen-2) suggests that this variant is likely to be disruptive. In summary, the available evidence is currently insufficient to determine the role of this variant in disease. Therefore, it has been classified as a Variant of Uncertain Significance.